The following is an entry in ClinVar:

ClinVar aggregate classification (germline): Uncertain significance (1 of 4 stars; one submission).

Conditions:
Hereditary cancer-predisposing syndrome. Also called: Tumor predisposition; Neoplastic Syndromes, Hereditary; Hereditary neoplastic syndrome; Hereditary Cancer Syndrome. Identifiers: Orphanet 140162, MedGen C0027672, MeSH D009386, MONDO:0015356.

Submission:

Ambry Genetics
Classification: Uncertain significance for Hereditary cancer-predisposing syndrome. Last evaluated: 2024-07-13. Review status: criteria provided, single submitter. Criteria: Ambry Variant Classification Scheme 2023. Collection method: clinical testing. Allele origin: germline.
Comment: The p.D922N variant (also known as c.2764G>A), located in coding exon 17 of the ATM gene, results from a G to A substitution at nucleotide position 2764. The aspartic acid at codon 922 is replaced by asparagine, an amino acid with highly similar properties. This amino acid position is conserved. In addition, this alteration is predicted to be tolerated by in silico analysis. Based on the available evidence, the clinical significance of this variant remains unclear.

NM_000051.4(ATM):c.2764G>A (p.Asp922Asn)

Gene: ATM (ATM serine/threonine kinase; plus strand). Cytogenetic location: 11q22.3.
Variant type: single nucleotide variant.
Coding change: c.2764G>A on transcript NM_000051.4 (MANE Select); coding-DNA position 2764, G replaced by A.
Protein change: p.Asp922Asn; replaces aspartic acid 922 with asparagine.
Molecular consequence: missense variant.
Genome position (GRCh38, 1-based): chr11:108,268,535, G>A. VCF-style: chr11-108268535-G-A. GRCh37 (hg19) VCF-style: chr11-108139262-G-A.
Other names: c.2764G>A, p.Asp922Asn (NM_001351834.2); short protein forms D922N.
Identifiers: ClinVar variation 3450140 (VCV003450140.1).